The following is an entry in ClinVar:

ClinVar aggregate classification (germline): Likely pathogenic (1 of 4 stars; one submission).

Conditions:
Fabry disease. Also called: ALPHA-GALACTOSIDASE A DEFICIENCY; ANDERSON-FABRY DISEASE; CERAMIDE TRIHEXOSIDASE DEFICIENCY; GLA DEFICIENCY; HEREDITARY DYSTOPIC LIPIDOSIS; Angiokeratoma corporis diffusum. Identifiers: Orphanet 324, MedGen C0002986, MONDO:0010526, OMIM 301500, HP:0001071. Disease mechanism: Fabry disease is due to inactivating mutations in the X-linked GLA gene resulting in deficiency of the enzyme Alpha Galactosidase-A., loss of function.

Submission:

Genomenon, Inc
Classification: Likely pathogenic for Fabry disease. Last evaluated: 2026-09-08. Review status: criteria provided, single submitter. Criteria: Genomenon Sequence Variant Interpretation Standards - Updated. Collection method: curation. Allele origin: germline. Affected: yes.
Comment: GLA p.Asp266Gly (c.797A>G) is a missense variant that changes the amino acid at codon 266 from Aspartic acid to Glycine. This variant has been observed in at least one proband with clinical features consistent with Fabry disease (PMID:33204599). Functional or patient cell studies have been reported (PMID:33204599). This variant is located in a mutational hotspot and/or important functional domain. It is absent or not present at a significant frequency in gnomAD. In silico models predict that this variant is possibly or probably damaging. In conclusion, we classify GLA p.Asp266Gly (c.797A>G) as a likely pathogenic variant.

Literature cited by the submitters: PubMed 33204599.

NM_000169.3(GLA):c.797A>G (p.Asp266Gly)

Genes: GLA (galactosidase alpha; minus strand), RPL36A-HNRNPH2 (RPL36A-HNRNPH2 readthrough; plus strand). Cytogenetic location: Xq22.1.
Variant type: single nucleotide variant.
Coding change: c.797A>G on transcript NM_000169.3 (MANE Select); coding-DNA position 797, A replaced by G.
Protein change: p.Asp266Gly; replaces aspartic acid 266 with glycine.
Molecular consequence: missense variant. On other transcripts: non-coding transcript variant (3), intron variant (2).
Genome position (GRCh38, 1-based): chrX:101,398,789, T>C on the plus strand (A>G on the coding strand, the complement: GLA is on the minus strand). VCF-style: chrX-101398789-T-C. GRCh37 (hg19) VCF-style: chrX-100653777-T-C.
Other names: c.920A>G, p.Asp307Gly (NM_001406747.1); c.797A>G, p.Asp266Gly (NM_001406748.1); c.300+3332T>C (NM_001199973.2); c.177+6967T>C (NM_001199974.2); short protein forms D266G, D307G.
Identifiers: ClinVar variation 4087517 (VCV004087517.2).